The following is an entry in ClinVar:

NM_014762.4(DHCR24):c.281G>A (p.Arg94His)

Gene: DHCR24 (24-dehydrocholesterol reductase; minus strand). Cytogenetic location: 1p32.3.
Variant type: single nucleotide variant.
Coding change: c.281G>A on transcript NM_014762.4 (MANE Select); coding-DNA position 281, G replaced by A.
Protein change: p.Arg94His; replaces arginine 94 with histidine.
Molecular consequence: missense variant.
Genome position (GRCh38, 1-based): chr1:54,883,724, C>T on the plus strand (G>A on the coding strand, the complement: DHCR24 is on the minus strand). VCF-style: chr1-54883724-C-T. GRCh37 (hg19) VCF-style: chr1-55349397-C-T.
Other names: short protein forms R94H.
Identifiers: ClinVar variation 30577 (VCV000030577.2), dbSNP rs387906939, ClinGen allele CA129348.

ClinVar aggregate classification (germline): Likely pathogenic. Review status: criteria provided, single submitter (1 of 4 stars). 2 submissions from 2 submitters: Likely pathogenic (1). 1 of the submissions does not count toward it. Last evaluated 2019-11-07.

Conditions:
Desmosterolosis. Identifiers: Orphanet 35107, MedGen C1865596, MONDO:0011217, OMIM 602398.

Allele frequency attached by ClinVar (database versions not stated): gnomAD exomes below 0.00001; ExAC 0.00001; gnomAD 0.00001.
gnomAD v4.1: 3 of 1,614,100 alleles (0.00019%); highest among the groups gnomAD compares: Admixed American, 0.0017%; no homozygotes.

Submissions (2):

Baylor Genetics
Classification: Likely pathogenic for Desmosterolosis. Last evaluated: 2019-11-07. Review status: criteria provided, single submitter. Criteria: ACMG Guidelines, 2015. Collection method: clinical testing. Allele origin: unknown. Affected: yes.
Comment: This variant was determined to be likely pathogenic according to ACMG Guidelines, 2015 [PMID:25741868].

OMIM
Classification: Pathogenic for DESMOSTEROLOSIS. Last evaluated: 2011-07-01. Review status: no assertion criteria provided. Collection method: literature only. Allele origin: germline. Not counted in ClinVar's aggregate classification.

Literature cited by the submitters: PubMed 21671375 (cited by OMIM).